The following is an entry in ClinVar:

ClinVar aggregate classification (germline): Uncertain significance (1 of 4 stars; one submission).

Conditions:
Leukoencephalopathy, hereditary diffuse, with spheroids 2 (HDLS2). Also called: LEUKOENCEPHALOPATHY, HEREDITARY DIFFUSE, WITH SPHEROIDS, SWEDISH TYPE. Identifiers: MedGen C5562044, MONDO:0030634, OMIM 619661.
Trichothiodystrophy 8, nonphotosensitive. Identifiers: MedGen C5562057, MONDO:0030517, OMIM 619691.
Developmental and epileptic encephalopathy, 29 (DEE29). Also called: Epileptic encephalopathy, early infantile, 29. Identifiers: Orphanet 442835, MedGen C4225361, MONDO:0014593, OMIM 616339.
Charcot-Marie-Tooth disease axonal type 2N (CMT2N). Also called: Charcot-Marie-Tooth Neuropathy Type 2N; CHARCOT-MARIE-TOOTH DISEASE, AXONAL, AUTOSOMAL DOMINANT, TYPE 2N; CHARCOT-MARIE-TOOTH NEUROPATHY, AXONAL, TYPE 2N. Identifiers: Orphanet 228174, MedGen C2750090, MONDO:0013212, OMIM 613287.

Submission:

Juno Genomics, Hangzhou Juno Genomics, Inc
Classification: Uncertain significance for Leukoencephalopathy, hereditary diffuse, with spheroids 2; Trichothiodystrophy 8, nonphotosensitive; Charcot-Marie-Tooth disease axonal type 2N; Developmental and epileptic encephalopathy, 29. Review status: criteria provided, single submitter. Criteria: ACMG Guidelines, 2015. Collection method: clinical testing. Allele origin: germline.
Comment: Absent from controls (or at extremely low frequency if recessive) in Genome Aggregation Database.;Multiple lines of computational evidence support a deleterious effect on the gene or gene product.

NM_001605.3(AARS1):c.223T>C (p.Cys75Arg)

Gene: AARS1 (alanyl-tRNA synthetase 1; minus strand). Cytogenetic location: 16q22.1.
Variant type: single nucleotide variant.
Coding change: c.223T>C on transcript NM_001605.3 (MANE Select); coding-DNA position 223, T replaced by C.
Protein change: p.Cys75Arg; replaces cysteine 75 with arginine.
Molecular consequence: missense variant.
Genome position (GRCh38, 1-based): chr16:70,277,076, A>G on the plus strand (T>C on the coding strand, the complement: AARS1 is on the minus strand). VCF-style: chr16-70277076-A-G. GRCh37 (hg19) VCF-style: chr16-70310979-A-G.
Other names: short protein forms C75R.
Identifiers: ClinVar variation 5005624 (VCV005005624.2).